The following is an entry in ClinVar:

ClinVar aggregate classification (germline): Uncertain significance (1 of 4 stars; one submission).

Allele frequency attached by ClinVar (database versions not stated): gnomAD exomes 0.00001.
gnomAD v4.1: 4 of 1,608,956 alleles (0.00025%); highest among the groups gnomAD compares: Admixed American, 0.0067%; no homozygotes.

Submission:

Labcorp Genetics (formerly Invitae), Labcorp
Classification: Uncertain significance. Last evaluated: 2025-12-17. Review status: criteria provided, single submitter. Criteria: Invitae Variant Classification Sherloc (09022015). Collection method: clinical testing. Allele origin: germline.
Comment: This sequence change replaces serine, which is neutral and polar, with asparagine, which is neutral and polar, at codon 888 of the ZMIZ1 protein (p.Ser888Asn). This variant is present in population databases (no rsID available, gnomAD 0.01%). This variant has not been reported in the literature in individuals affected with ZMIZ1-related conditions. ClinVar contains an entry for this variant (Variation ID: 2920392). Invitae Evidence Modeling of protein sequence and biophysical properties (such as structural, functional, and spatial information, amino acid conservation, physicochemical variation, residue mobility, and thermodynamic stability) indicates that this missense variant is not expected to disrupt ZMIZ1 protein function with a negative predictive value of 95%. In summary, the available evidence is currently insufficient to determine the role of this variant in disease. Therefore, it has been classified as a Variant of Uncertain Significance.

NM_020338.4(ZMIZ1):c.2663G>A (p.Ser888Asn)

Gene: ZMIZ1 (zinc finger MIZ-type containing 1; plus strand). Cytogenetic location: 10q22.3.
Variant type: single nucleotide variant.
Coding change: c.2663G>A on transcript NM_020338.4 (MANE Select); coding-DNA position 2663, G replaced by A.
Protein change: p.Ser888Asn; replaces serine 888 with asparagine.
Molecular consequence: missense variant.
Genome position (GRCh38, 1-based): chr10:79,306,339, G>A. VCF-style: chr10-79306339-G-A. GRCh37 (hg19) VCF-style: chr10-81066096-G-A.
Other names: short protein forms S888N.
Identifiers: ClinVar variation 2920392 (VCV002920392.3), dbSNP rs897916177, ClinGen allele CA210221449.